The following is an entry in ClinVar:

NM_198282.4(STING1):c.616T>G (p.Cys206Gly)

Gene: STING1 (stimulator of interferon response cGAMP interactor 1; minus strand). Cytogenetic location: 5q31.2.
Variant type: single nucleotide variant.
Coding change: c.616T>G on transcript NM_198282.4 (MANE Select); coding-DNA position 616, T replaced by G.
Protein change: p.Cys206Gly; replaces cysteine 206 with glycine.
Molecular consequence: missense variant.
Genome position (GRCh38, 1-based): chr5:139,478,413, A>C on the plus strand (T>G on the coding strand, the complement: STING1 is on the minus strand). VCF-style: chr5-139478413-A-C. GRCh37 (hg19) VCF-style: chr5-138857998-A-C.
Other names: c.616T>G, p.Cys206Gly (NM_001301738.2); c.259T>G, p.Cys87Gly (NM_001367258.1); short protein forms C87G, C206G.
Identifiers: ClinVar variation 2982257 (VCV002982257.3), dbSNP rs2547063044, ClinGen allele CA361480166.

ClinVar aggregate classification (germline): Likely pathogenic (1 of 4 stars; one submission).

Conditions:
STING-associated vasculopathy with onset in infancy. Also called: Sting-associated vasculopathy, infantile-onset. Identifiers: Orphanet 425120, MedGen C4014722, MONDO:0014405, OMIM 615934.

Submission:

Labcorp Genetics (formerly Invitae), Labcorp
Classification: Likely pathogenic for STING-associated vasculopathy with onset in infancy. Last evaluated: 2023-03-20. Review status: criteria provided, single submitter. Criteria: Invitae Variant Classification Sherloc (09022015). Collection method: clinical testing. Allele origin: germline.
Comment: This sequence change replaces cysteine, which is neutral and slightly polar, with glycine, which is neutral and non-polar, at codon 206 of the TMEM173 protein (p.Cys206Gly). This variant is not present in population databases (gnomAD no frequency). This missense change has been observed in individual(s) with STING-associated vasculopathy (PMID: 28968819; Invitae). In at least one individual the variant was observed to be de novo. Advanced modeling of protein sequence and biophysical properties (such as structural, functional, and spatial information, amino acid conservation, physicochemical variation, residue mobility, and thermodynamic stability) performed at Invitae indicates that this missense variant is expected to disrupt TMEM173 protein function. In summary, the currently available evidence indicates that the variant is pathogenic, but additional data are needed to prove that conclusively. Therefore, this variant has been classified as Likely Pathogenic.

Literature cited by the submitters: PubMed 28968819.